The following is an entry in ClinVar:

NM_003705.5(SLC25A12):c.1790C>T (p.Thr597Ile)

Gene: SLC25A12 (solute carrier family 25 member 12; minus strand). Cytogenetic location: 2q31.1.
Variant type: single nucleotide variant.
Coding change: c.1790C>T on transcript NM_003705.5 (MANE Select); coding-DNA position 1790, C replaced by T.
Protein change: p.Thr597Ile; replaces threonine 597 with isoleucine.
Molecular consequence: missense variant. On other transcripts: non-coding transcript variant (1).
Genome position (GRCh38, 1-based): chr2:171,787,616, G>A on the plus strand (C>T on the coding strand, the complement: SLC25A12 is on the minus strand). VCF-style: chr2-171787616-G-A. GRCh37 (hg19) VCF-style: chr2-172644126-G-A.
Other names: short protein forms T597I.
Identifiers: ClinVar variation 1024029 (VCV001024029.7), dbSNP rs1690512788, ClinGen allele CA349287558.

ClinVar aggregate classification (germline): Uncertain significance (1 of 4 stars; one submission).

Allele frequency attached by ClinVar (database versions not stated): TOPMed below 0.00001; gnomAD 0.00001.
gnomAD v4.1: 1 of 1,614,068 alleles (0.000062%); highest among the groups gnomAD compares: Non-Finnish European, 0.000085%; no homozygotes.

Submission:

Labcorp Genetics (formerly Invitae), Labcorp
Classification: Uncertain significance. Last evaluated: 2022-09-19. Review status: criteria provided, single submitter. Criteria: Invitae Variant Classification Sherloc (09022015). Collection method: clinical testing. Allele origin: germline.
Comment: This sequence change replaces threonine, which is neutral and polar, with isoleucine, which is neutral and non-polar, at codon 597 of the SLC25A12 protein (p.Thr597Ile). This variant is not present in population databases (gnomAD no frequency). This variant has not been reported in the literature in individuals affected with SLC25A12-related conditions. ClinVar contains an entry for this variant (Variation ID: 1024029). Advanced modeling of protein sequence and biophysical properties (such as structural, functional, and spatial information, amino acid conservation, physicochemical variation, residue mobility, and thermodynamic stability) performed at Invitae indicates that this missense variant is expected to disrupt SLC25A12 protein function. In summary, the available evidence is currently insufficient to determine the role of this variant in disease. Therefore, it has been classified as a Variant of Uncertain Significance.